The following is an entry in ClinVar:

NM_030957.4(ADAMTS10):c.2513C>A (p.Ser838Ter)

Gene: ADAMTS10 (ADAM metallopeptidase with thrombospondin type 1 motif 10; minus strand). Cytogenetic location: 19p13.2.
Variant type: single nucleotide variant.
Coding change: c.2513C>A on transcript NM_030957.4 (MANE Select); coding-DNA position 2513, C replaced by A.
Protein change: p.Ser838Ter; replaces serine 838 with a stop codon.
Molecular consequence: nonsense.
Genome position (GRCh38, 1-based): chr19:8,586,361, G>T on the plus strand (C>A on the coding strand, the complement: ADAMTS10 is on the minus strand). VCF-style: chr19-8586361-G-T. GRCh37 (hg19) VCF-style: chr19-8651245-G-T.
Other names: c.974C>A, p.Ser325Ter (NM_001282352.2); short protein forms S325*, S838*.
Identifiers: ClinVar variation 4722122 (VCV004722122.1).
Genomic context (GRCh38, chr19:8,586,361, plus strand): 5'-CTCAGCCCAGGTATCTTGTGCCTTCCCCCACCCCCGGCCTCACCGCCTGCACACTGGGCC[G>T]AGCACTTGGTCCAGGGCGCATAGTGCCAGGAGTAGGGGGGCAGCGAGTCACGGGCGATGG-3'

ClinVar aggregate classification (germline): Pathogenic (1 of 4 stars; one submission).

Submission:

Labcorp Genetics (formerly Invitae), Labcorp
Classification: Pathogenic. Last evaluated: 2025-06-24. Review status: criteria provided, single submitter. Criteria: Invitae Variant Classification Sherloc (09022015). Collection method: clinical testing. Allele origin: germline.
Comment: This sequence change creates a premature translational stop signal (p.Ser838*) in the ADAMTS10 gene. It is expected to result in an absent or disrupted protein product. Loss-of-function variants in ADAMTS10 are known to be pathogenic (PMID: 15368195, 18567016). This variant is not present in population databases (gnomAD no frequency). This variant has not been reported in the literature in individuals affected with ADAMTS10-related conditions. For these reasons, this variant has been classified as Pathogenic.

Literature cited by the submitters: PubMed 15368195; PubMed 18567016.